The following is an entry in ClinVar:

NM_000091.5(COL4A3):c.547-9A>C

Genes: COL4A3 (collagen type IV alpha 3 chain; plus strand), MFF-DT (MFF divergent transcript; minus strand). Cytogenetic location: 2q36.3.
Variant type: single nucleotide variant.
Coding change: c.547-9A>C on transcript NM_000091.5 (MANE Select); 9 bases into the intron before coding-DNA position 547, A replaced by C.
Molecular consequence: intron variant.
Genome position (GRCh38, 1-based): chr2:227,251,131, A>C. VCF-style: chr2-227251131-A-C. GRCh37 (hg19) VCF-style: chr2-228115847-A-C.
Other names: p.?.
Identifiers: ClinVar variation 255003 (VCV000255003.26), dbSNP rs55667591, ClinGen allele CA2146210.

ClinVar aggregate classification (germline): Benign. Review status: criteria provided, multiple submitters, no conflicts (2 of 4 stars). 13 submissions from 13 submitters: Benign (10). 3 of the submissions do not count toward it. Last evaluated 2026-02-04.

Conditions:
Atypical hemolytic-uremic syndrome. Identifiers: Orphanet 2134, MedGen C2931788, MONDO:0016244.
Alport syndrome. Also called: Hemorrhagic familial nephritis; Hemorrhagic hereditary nephritis; Congenital hereditary hematuria. Identifiers: Orphanet 63, MedGen C1567741, MONDO:0018965.

Allele frequency attached by ClinVar (database versions not stated): ESP Exome Variant Server 0.00961; gnomAD exomes 0.02183 and 0.04312; 1000 Genomes Project 30x 0.02545; 1000 Genomes Project 0.02576; TOPMed 0.02640; gnomAD 0.02667 and 0.02682; ExAC 0.03620.

Submissions (34):

Labcorp Genetics (formerly Invitae), Labcorp
Classification: Benign. Last evaluated: 2026-02-04. Review status: criteria provided, single submitter. Criteria: Invitae Variant Classification Sherloc (09022015). Collection method: clinical testing. Allele origin: germline.

Blueprint Genetics
Classification: Benign. Last evaluated: 2024-11-26. Review status: criteria provided, single submitter. Criteria: ACMG Guidelines, 2015. Collection method: clinical testing. Allele origin: germline.

Mayo Clinic Laboratories, Mayo Clinic
Classification: Benign. Last evaluated: 2022-11-06. Review status: criteria provided, single submitter. Criteria: ACMG Guidelines, 2015. Collection method: clinical testing. Allele origin: germline. Observed: 24 variant alleles.

Genome Diagnostics Laboratory, The Hospital for Sick Children
Classification: Benign for Atypical hemolytic-uremic syndrome. Last evaluated: 2021-11-20. Review status: criteria provided, single submitter. Criteria: ACMG Guidelines, 2015. Collection method: clinical testing. Allele origin: germline.

Women's Health and Genetics/Laboratory Corporation of America, LabCorp
Classification: Benign. Last evaluated: 2020-06-26. Review status: criteria provided, single submitter. Criteria: LabCorp Variant Classification Summary - May 2015. Collection method: clinical testing. Allele origin: germline.
Comment: Variant summary: COL4A3 c.547-9A>C alters a nucleotide located close to a canonical splice site and therefore could affect mRNA splicing, leading to a significantly altered protein sequence. 4/4 computational tools predict no significant impact on normal splicing. However, these predictions have yet to be confirmed by functional studies. The variant allele was found at a frequency of 0.043 in 249262 control chromosomes in the gnomAD database, including 843 homozygotes. The observed variant frequency is approximately 22 fold of the estimated maximal expected allele frequency for a pathogenic variant in COL4A3 causing Alport Syndrome, Autosomal Recessive phenotype (0.0019), strongly suggesting that the variant is benign. To our knowledge, no occurrence of c.547-9A>C in individuals affected with Alport Syndrome, Autosomal Recessive and no experimental evidence demonstrating its impact on protein function have been reported. Three clinical diagnostic laboratories have submitted clinical-significance assessments for this variant to ClinVar after 2014 without evidence for independent evaluation. All laboratories classified the variant as benign. Based on the evidence outlined above, the variant was classified as benign.

Illumina Laboratory Services, Illumina
Classification: Benign for Alport syndrome. Last evaluated: 2018-01-13. Review status: criteria provided, single submitter. Criteria: ICSL Variant Classification Criteria 13 December 2019. Collection method: clinical testing. Allele origin: germline.
Comment: This variant was observed in the ICSL laboratory as part of a predisposition screen in an ostensibly healthy population. It had not been previously curated by ICSL or reported in the Human Gene Mutation Database (HGMD: prior to June 1st, 2018), and was therefore a candidate for classification through an automated scoring system. Utilizing variant allele frequency, disease prevalence and penetrance estimates, and inheritance mode, an automated score was calculated to assess if this variant is too frequent to cause the disease. Based on the score and internal cut-off values, a variant classified as benign is not then subjected to further curation. The score for this variant resulted in a classification of benign for this disease.

Athena Diagnostics
Classification: Benign. Last evaluated: 2017-10-17. Review status: criteria provided, single submitter. Criteria: Athena Diagnostics Criteria. Collection method: clinical testing. Allele origin: germline.

GeneDx
Classification: Benign. Last evaluated: 2017-09-18. Review status: criteria provided, single submitter. Criteria: GeneDx Variant Classification (06012015). Collection method: clinical testing. Allele origin: germline. Affected: yes.
Comment: This variant is considered likely benign or benign based on one or more of the following criteria: it is a conservative change, it occurs at a poorly conserved position in the protein, it is predicted to be benign by multiple in silico algorithms, and/or has population frequency not consistent with disease.

Breakthrough Genomics
Classification: Benign. Review status: criteria provided, single submitter. Criteria: ACMG Guidelines, 2015. Collection method: not provided. Allele origin: germline. Inheritance: Autosomal recessive inheritance. Affected: yes.

PreventionGenetics, part of Exact Sciences
Classification: Benign. Review status: criteria provided, single submitter. Criteria: ACMG Guidelines, 2015. Collection method: clinical testing. Allele origin: germline.

Natera, Inc.
Classification: Benign for Alport syndrome. Last evaluated: 2020-09-16. Review status: no assertion criteria provided. Collection method: clinical testing. Allele origin: germline. Not counted in ClinVar's aggregate classification.

Dr. Peter K. Rogan Lab, Western University
No classification provided (evidence only). Condition: Clear cell carcinoma of kidney. Review status: no classification provided. Collection method: in vitro. Allele origin: not applicable. Functional consequence: retained intron. Not counted in ClinVar's aggregate classification.

Dr. Peter K. Rogan Lab, Western University
No classification provided (evidence only). Condition: Clear cell carcinoma of kidney. Review status: no classification provided. Collection method: in vitro. Allele origin: not applicable. Functional consequence: retained intron. Not counted in ClinVar's aggregate classification.

Dr. Peter K. Rogan Lab, Western University
No classification provided (evidence only). Condition: Clear cell carcinoma of kidney. Review status: no classification provided. Collection method: in vitro. Allele origin: not applicable. Functional consequence: retained intron. Not counted in ClinVar's aggregate classification.

Dr. Peter K. Rogan Lab, Western University
No classification provided (evidence only). Condition: Lung cancer. Review status: no classification provided. Collection method: in vitro. Allele origin: not applicable. Functional consequence: retained intron. Not counted in ClinVar's aggregate classification.

Dr. Peter K. Rogan Lab, Western University
No classification provided (evidence only). Condition: Lung cancer. Review status: no classification provided. Collection method: in vitro. Allele origin: not applicable. Functional consequence: retained intron. Not counted in ClinVar's aggregate classification.

Dr. Peter K. Rogan Lab, Western University
No classification provided (evidence only). Condition: Acute myeloid leukemia. Review status: no classification provided. Collection method: in vitro. Allele origin: not applicable. Functional consequence: retained intron. Not counted in ClinVar's aggregate classification.

Dr. Peter K. Rogan Lab, Western University
No classification provided (evidence only). Condition: Acute myeloid leukemia. Review status: no classification provided. Collection method: in vitro. Allele origin: not applicable. Functional consequence: retained intron. Not counted in ClinVar's aggregate classification.

Dr. Peter K. Rogan Lab, Western University
No classification provided (evidence only). Condition: Acute myeloid leukemia. Review status: no classification provided. Collection method: in vitro. Allele origin: not applicable. Functional consequence: retained intron. Not counted in ClinVar's aggregate classification.

Dr. Peter K. Rogan Lab, Western University
No classification provided (evidence only). Condition: Cervical cancer. Review status: no classification provided. Collection method: in vitro. Allele origin: not applicable. Functional consequence: retained intron. Not counted in ClinVar's aggregate classification.

Dr. Peter K. Rogan Lab, Western University
No classification provided (evidence only). Condition: Cervical cancer. Review status: no classification provided. Collection method: in vitro. Allele origin: not applicable. Functional consequence: retained intron. Not counted in ClinVar's aggregate classification.

Dr. Peter K. Rogan Lab, Western University
No classification provided (evidence only). Condition: Cervical cancer. Review status: no classification provided. Collection method: in vitro. Allele origin: not applicable. Functional consequence: retained intron. Not counted in ClinVar's aggregate classification.

Dr. Peter K. Rogan Lab, Western University
No classification provided (evidence only). Condition: Cervical cancer. Review status: no classification provided. Collection method: in vitro. Allele origin: not applicable. Functional consequence: retained intron. Not counted in ClinVar's aggregate classification.

Dr. Peter K. Rogan Lab, Western University
No classification provided (evidence only). Condition: Sarcoma. Review status: no classification provided. Collection method: in vitro. Allele origin: not applicable. Functional consequence: retained intron. Not counted in ClinVar's aggregate classification.

Dr. Peter K. Rogan Lab, Western University
No classification provided (evidence only). Condition: Sarcoma. Review status: no classification provided. Collection method: in vitro. Allele origin: not applicable. Functional consequence: retained intron. Not counted in ClinVar's aggregate classification.

Dr. Peter K. Rogan Lab, Western University
No classification provided (evidence only). Condition: Sarcoma. Review status: no classification provided. Collection method: in vitro. Allele origin: not applicable. Functional consequence: retained intron. Not counted in ClinVar's aggregate classification.

Dr. Peter K. Rogan Lab, Western University
No classification provided (evidence only). Condition: Gastric cancer. Review status: no classification provided. Collection method: in vitro. Allele origin: not applicable. Functional consequence: retained intron. Not counted in ClinVar's aggregate classification.

Dr. Peter K. Rogan Lab, Western University
No classification provided (evidence only). Condition: Gastric cancer. Review status: no classification provided. Collection method: in vitro. Allele origin: not applicable. Functional consequence: retained intron. Not counted in ClinVar's aggregate classification.

Dr. Peter K. Rogan Lab, Western University
No classification provided (evidence only). Condition: Gastric cancer. Review status: no classification provided. Collection method: in vitro. Allele origin: not applicable. Functional consequence: retained intron. Not counted in ClinVar's aggregate classification.

Dr. Peter K. Rogan Lab, Western University
No classification provided (evidence only). Condition: Uterine carcinosarcoma. Review status: no classification provided. Collection method: in vitro. Allele origin: not applicable. Functional consequence: retained intron. Not counted in ClinVar's aggregate classification.

Dr. Peter K. Rogan Lab, Western University
No classification provided (evidence only). Condition: Malignant tumor of esophagus. Review status: no classification provided. Collection method: in vitro. Allele origin: not applicable. Functional consequence: retained intron. Not counted in ClinVar's aggregate classification.

Dr. Peter K. Rogan Lab, Western University
No classification provided (evidence only). Condition: Malignant tumor of esophagus. Review status: no classification provided. Collection method: in vitro. Allele origin: not applicable. Functional consequence: retained intron. Not counted in ClinVar's aggregate classification.

Genome Diagnostics Laboratory, University Medical Center Utrecht
Classification: Benign. Review status: no assertion criteria provided. Collection method: clinical testing. Allele origin: germline. Affected: yes. Study: VKGL Data-share Consensus. Not counted in ClinVar's aggregate classification.

Joint Genome Diagnostic Labs from Nijmegen and Maastricht, Radboudumc and MUMC+
Classification: Benign. Review status: no assertion criteria provided. Collection method: clinical testing. Allele origin: germline. Affected: yes. Study: VKGL Data-share Consensus. Not counted in ClinVar's aggregate classification.